The following is an entry in ClinVar:

ClinVar aggregate classification (germline): Likely benign (0 of 4 stars; one submission).

Conditions:
DROSHA-related disorder. Also called: DROSHA-related condition.

Allele frequency attached by ClinVar (database versions not stated): gnomAD exomes 0.00002; TOPMed 0.00002; gnomAD 0.00001.
gnomAD v4.1: 23 of 1,612,878 alleles (0.0014%); highest among the groups gnomAD compares: Non-Finnish European, 0.0019%; no homozygotes.

Submission:

PreventionGenetics, part of Exact Sciences
Classification: Likely benign for DROSHA-related condition. Last evaluated: 2022-01-26. Review status: no assertion criteria provided. Collection method: clinical testing. Allele origin: germline.
Comment: This variant is classified as likely benign based on ACMG/AMP sequence variant interpretation guidelines (Richards et al. 2015 PMID: 25741868, with internal and published modifications).

NM_001382508.1(DROSHA):c.51G>A (p.Gly17=)

Gene: DROSHA (drosha ribonuclease III; minus strand). Cytogenetic location: 5p13.3.
Variant type: single nucleotide variant.
Coding change: c.51G>A on transcript NM_001382508.1 (MANE Select); coding-DNA position 51, G replaced by A.
Protein change: p.Gly17=; no amino-acid change (glycine 17 retained).
Molecular consequence: synonymous variant.
Genome position (GRCh38, 1-based): chr5:31,526,882, C>T on the plus strand (G>A on the coding strand, the complement: DROSHA is on the minus strand). VCF-style: chr5-31526882-C-T. GRCh37 (hg19) VCF-style: chr5-31526989-C-T.
Other names: c.51G>A, p.Gly17= (NM_001100412.2, NM_013235.5).
Identifiers: ClinVar variation 3029129 (VCV003029129.2), dbSNP rs1187982936, ClinGen allele CA443642138.